The following is an entry in ClinVar:

NM_001267550.2(TTN):c.83504_83505del (p.Ser27835fs)

Genes: TTN-AS1 (TTN antisense RNA 1; plus strand), TTN (titin; minus strand). Cytogenetic location: 2q31.2.
Variant type: Deletion.
Coding change: c.83504_83505del on transcript NM_001267550.2 (MANE Select); coding-DNA positions 83504 to 83505, 2 bases deleted (CT; older notation c.83504_83505delCT).
Protein change: p.Ser27835fs; shifts the reading frame from serine 27835.
Molecular consequence: frameshift variant.
Genome position (GRCh38, 1-based): chr2:178,562,627-178,562,628, AG deleted on the plus strand (CT on the coding strand, the reverse complement: TTN is on the minus strand); deleting any 2 consecutive bases within chr2:178,562,627-178,562,629 gives the same sequence; the c. name uses the placement nearest the transcript's 3' end. VCF-style (leftmost placement, unchanged base first): chr2-178562626-AAG-A. GRCh37 (hg19) VCF-style: chr2-179427353-AAG-A.
Other names: c.78581_78582del, p.Ser26194fs (NM_001256850.1); c.56309_56310del, p.Ser18770fs (NM_003319.4); c.75800_75801del, p.Ser25267fs (NM_133378.4); c.56684_56685del, p.Ser18895fs (NM_133432.3); c.56885_56886del, p.Ser18962fs (NM_133437.4); short protein forms S27835fs, S18962fs, S18770fs, S18895fs, S25267fs, S26194fs.
Identifiers: ClinVar variation 2949654 (VCV002949654.3), dbSNP rs2469734400, ClinGen allele CA2740095909.

ClinVar aggregate classification (germline): Likely pathogenic (1 of 4 stars; one submission).

Conditions:
Dilated cardiomyopathy 1G (CMD1G). Identifiers: Orphanet 154, MedGen C1858763, MONDO:0011400, OMIM 604145.
Autosomal recessive limb-girdle muscular dystrophy type 2J (LGMDR10). Also called: Limb-girdle muscular dystrophy, type 2J; MUSCULAR DYSTROPHY, LIMB-GIRDLE, AUTOSOMAL RECESSIVE 10. Identifiers: Orphanet 140922, MedGen C1837342, MONDO:0012127, OMIM 608807.

Submission:

Labcorp Genetics (formerly Invitae), Labcorp
Classification: Likely pathogenic for Dilated cardiomyopathy 1G; Autosomal recessive limb-girdle muscular dystrophy type 2J. Last evaluated: 2023-07-08. Review status: criteria provided, single submitter. Criteria: Invitae Variant Classification Sherloc (09022015). Collection method: clinical testing. Allele origin: germline.
Comment: This variant is not present in population databases (gnomAD no frequency). This variant has not been reported in the literature in individuals affected with TTN-related conditions. This variant is located in the A band of TTN (PMID: 25589632). Truncating variants in this region are significantly overrepresented in patients affected with dilated cardiomyopathy (PMID: 25589632). Truncating variants in this region have also been reported in individuals affected with autosomal recessive centronuclear myopathy (PMID: 23975875). In summary, the currently available evidence indicates that the variant is pathogenic, but additional data are needed to prove that conclusively. Therefore, this variant has been classified as Likely Pathogenic. This sequence change creates a premature translational stop signal (p.Ser27835Leufs*10) in the TTN gene. While this is not anticipated to result in nonsense mediated decay, it is expected to create a truncated TTN protein.

Literature cited by the submitters: PubMed 25589632; PubMed 23975875.